The following is an entry in ClinVar:

NM_025114.4(CEP290):c.6134C>T (p.Ser2045Leu)

Gene: CEP290 (centrosomal protein 290; minus strand). Cytogenetic location: 12q21.32.
Variant type: single nucleotide variant.
Coding change: c.6134C>T on transcript NM_025114.4 (MANE Select); coding-DNA position 6134, C replaced by T.
Protein change: p.Ser2045Leu; replaces serine 2045 with leucine.
Molecular consequence: missense variant.
Genome position (GRCh38, 1-based): chr12:88,068,523, G>A on the plus strand (C>T on the coding strand, the complement: CEP290 is on the minus strand). VCF-style: chr12-88068523-G-A. GRCh37 (hg19) VCF-style: chr12-88462300-G-A.
Other names: short protein forms S2045L.
Identifiers: ClinVar variation 2080969 (VCV002080969.2), dbSNP rs546731422, ClinGen allele CA6711568.

ClinVar aggregate classification (germline): Uncertain significance. Review status: criteria provided, multiple submitters, no conflicts (2 of 4 stars). 2 submissions from 2 submitters: Uncertain significance (2). Last evaluated 2024-05-18.

Conditions:
Joubert syndrome 5 (JBTS5). Identifiers: Orphanet 2318, MedGen C1857780, MONDO:0012432, OMIM 610188.
Senior-Loken syndrome 6 (SLSN6). Identifiers: Orphanet 3156, MedGen C1857779, MONDO:0012433, OMIM 610189.
Bardet-Biedl syndrome 14 (BBS14). Identifiers: Orphanet 110, MedGen C2673874, MONDO:0014442, OMIM 615991.
Leber congenital amaurosis 10 (LCA10). Identifiers: Orphanet 65, MedGen C1857821, MONDO:0012723, OMIM 611755.
Meckel syndrome, type 4 (MKS4). Also called: MECKEL-GRUBER SYNDROME, TYPE 4. Identifiers: Orphanet 564, MedGen C1970161, MONDO:0012626, OMIM 611134.
Joubert syndrome. Also called: CEREBELLOPARENCHYMAL DISORDER IV; JOUBERT-BOLTSHAUSER SYNDROME; Familial aplasia of the vermis. Identifiers: Orphanet 475, MedGen C5979921, MONDO:0018772.
Nephronophthisis. Also called: Juvenile Nephronophthisis. Identifiers: Orphanet 655, MedGen C0687120, MONDO:0019005, HP:0000090.
Meckel-Gruber syndrome. Also called: DYSENCEPHALIA SPLANCHNOCYSTICA; GRUBER SYNDROME; Dysencephalia splachnocystica. Identifiers: Orphanet 564, MedGen C0265215, MONDO:0018921.

Allele frequency attached by ClinVar (database versions not stated): TOPMed 0.00001; gnomAD exomes 0.00003; gnomAD 0.00005; ExAC 0.00012; 1000 Genomes Project 30x 0.00062; 1000 Genomes Project 0.00080.
gnomAD v4.1: 51 of 1,502,964 alleles (0.0034%); highest among the groups gnomAD compares: South Asian, 0.064%; 1 homozygote.

Submissions (2):

Fulgent Genetics
Classification: Uncertain significance for Joubert syndrome 5; Senior-Loken syndrome 6; Meckel syndrome, type 4; Leber congenital amaurosis 10; Bardet-Biedl syndrome 14. Last evaluated: 2024-05-18. Review status: criteria provided, single submitter. Criteria: ACMG Guidelines, 2015. Collection method: clinical testing. Allele origin: germline.

Labcorp Genetics (formerly Invitae), Labcorp
Classification: Uncertain significance for Joubert syndrome; Meckel-Gruber syndrome; Nephronophthisis. Last evaluated: 2022-04-12. Review status: criteria provided, single submitter. Criteria: Invitae Variant Classification Sherloc (09022015). Collection method: clinical testing. Allele origin: germline.
Comment: This sequence change replaces serine, which is neutral and polar, with leucine, which is neutral and non-polar, at codon 2045 of the CEP290 protein (p.Ser2045Leu). This variant is present in population databases (rs546731422, gnomAD 0.04%). This variant has not been reported in the literature in individuals affected with CEP290-related conditions. Algorithms developed to predict the effect of missense changes on protein structure and function output the following: SIFT: "Tolerated"; PolyPhen-2: "Benign"; Align-GVGD: "Class C0". The leucine amino acid residue is found in multiple mammalian species, which suggests that this missense change does not adversely affect protein function. In summary, the available evidence is currently insufficient to determine the role of this variant in disease. Therefore, it has been classified as a Variant of Uncertain Significance.